The following is an entry in ClinVar:

NM_001267550.2(TTN):c.49648+1G>T

Genes: TTN (titin; minus strand), TTN-AS1 (TTN antisense RNA 1; plus strand). Cytogenetic location: 2q31.2.
Variant type: single nucleotide variant.
Coding change: c.49648+1G>T on transcript NM_001267550.2 (MANE Select); the canonical splice donor site of the intron after coding-DNA position 49648, G replaced by T.
Molecular consequence: splice donor variant.
Genome position (GRCh38, 1-based): chr2:178,613,160, C>A on the plus strand (G>T on the coding strand, the complement: TTN is on the minus strand). VCF-style: chr2-178613160-C-A. GRCh37 (hg19) VCF-style: chr2-179477887-C-A.
Other names: c.22453+1G>T (NM_003319.4); c.23029+1G>T (NM_133437.4); c.22828+1G>T (NM_133432.3); c.41944+1G>T (NM_133378.4); c.44725+1G>T (NM_001256850.1).
Identifiers: ClinVar variation 1788327 (VCV001788327.8), dbSNP rs2056668331, ClinGen allele CA349601707.

ClinVar aggregate classification (germline): Pathogenic/Likely pathogenic. Review status: criteria provided, multiple submitters, no conflicts (2 of 4 stars). 2 submissions from 2 submitters: Pathogenic (1); Likely pathogenic (1). Last evaluated 2024-11-07.

Conditions:
Autosomal recessive limb-girdle muscular dystrophy type 2J (LGMDR10). Also called: Limb-girdle muscular dystrophy, type 2J; MUSCULAR DYSTROPHY, LIMB-GIRDLE, AUTOSOMAL RECESSIVE 10. Identifiers: Orphanet 140922, MedGen C1837342, MONDO:0012127, OMIM 608807.
Dilated cardiomyopathy 1G (CMD1G). Identifiers: Orphanet 154, MedGen C1858763, MONDO:0011400, OMIM 604145.
Cardiovascular phenotype. Identifiers: MedGen CN230736.

Allele frequency attached by ClinVar (database versions not stated): gnomAD 0.00001.
gnomAD v4.1: 1 of 1,608,336 alleles (0.000062%); highest among the groups gnomAD compares: African/African-American, 0.0013%; no homozygotes.

Submissions (2):

Ambry Genetics
Classification: Pathogenic for Cardiovascular phenotype. Last evaluated: 2024-11-07. Review status: criteria provided, single submitter. Criteria: Ambry Variant Classification Scheme 2023. Collection method: clinical testing. Allele origin: germline.
Comment: The c.22453+1G>T intronic pathogenic mutation results from a G to T substitution one nucleotide after coding exon 91 of the TTN gene. Exon 91 is located in the A-band region of the N2-B isoform of the titin protein and is constitutively expressed in TTN transcripts (percent spliced in or PSI 100%). This alteration disrupts the canonical splice site and is expected to cause aberrant splicing, resulting in an abnormal protein or a transcript that is subject to nonsense-mediated mRNA decay. While loss of function variants in TTN are present in 1-3% of the general population, truncating variants (a category that includes canonical splice site variants) in the A-band are the most common cause of dilated cardiomyopathy (DCM) (Herman DS et al. N. Engl. J. Med., 2012 Feb;366:619-28; Roberts AM et al. Sci Transl Med, 2015 Jan;7:270ra6). TTN truncating variants encoded in constitutive exons (PSI >90%) have been found to be significantly associated with DCM regardless of their position in titin (Schafer S et al. Nat. Genet., 2017 01;49:46-53). Another alteration impacting the same donor site (c.22453+2delT, also referred to as c.44725+2delT) has been detected in individuals with dilated cardiomyopathy, segregated with disease in families, and was indicated to cause aberrant splicing in RNA studies (Herman DS et al. N. Engl. J. Med., 2012 Feb;366:619-28). This nucleotide position is highly conserved in available vertebrate species. In silico splice site analysis predicts that this alteration will weaken the native splice donor site. Based on the supporting evidence, this variant is interpreted as a disease-causing mutation.

Labcorp Genetics (formerly Invitae), Labcorp
Classification: Likely pathogenic for Dilated cardiomyopathy 1G; Autosomal recessive limb-girdle muscular dystrophy type 2J. Last evaluated: 2024-10-07. Review status: criteria provided, single submitter. Criteria: Invitae Variant Classification Sherloc (09022015). Collection method: clinical testing. Allele origin: germline.
Comment: This sequence change affects a donor splice site in intron 264 of the TTN gene. It is expected to disrupt RNA splicing and likely results in a truncated or disrupted TTN protein. This variant is not present in population databases (gnomAD no frequency). This variant has not been reported in the literature in individuals affected with TTN-related conditions. ClinVar contains an entry for this variant (Variation ID: 1788327). Algorithms developed to predict the effect of sequence changes on RNA splicing suggest that this variant may disrupt the consensus splice site. This variant is located in the A band of TTN (PMID: 25589632). Truncating variants in this region are significantly overrepresented in patients affected with dilated cardiomyopathy (PMID: 25589632). Truncating variants in this region have also been reported in individuals affected with autosomal recessive centronuclear myopathy (PMID: 23975875). In summary, the currently available evidence indicates that the variant is pathogenic, but additional data are needed to prove that conclusively. Therefore, this variant has been classified as Likely Pathogenic.

Literature cited by the submitters: PubMed 25589632 (cited by Labcorp Genetics (formerly Invitae), Labcorp); PubMed 23975875 (cited by Labcorp Genetics (formerly Invitae), Labcorp).